The following is an entry in ClinVar:

ClinVar aggregate classification (germline): Uncertain significance (1 of 4 stars; one submission).

Conditions:
Cardiovascular phenotype. Identifiers: MedGen CN230736.

Submission:

Ambry Genetics
Classification: Uncertain significance for Cardiovascular phenotype. Last evaluated: 2024-01-17. Review status: criteria provided, single submitter. Criteria: Ambry Variant Classification Scheme 2023. Collection method: clinical testing. Allele origin: germline.
Comment: The c.371delG variant, located in coding exon 4 of the TRPM4 gene, results from a deletion of one nucleotide at nucleotide position 371, causing a translational frameshift with a predicted alternate stop codon (p.G124Dfs*154). This alteration is expected to result in protein truncation or nonsense-mediated mRNA decay. However, loss of function of TRPM4 has not been established as a mechanism of disease. Since supporting evidence is limited at this time, the clinical significance of this alteration remains unclear.

NM_017636.4(TRPM4):c.371del (p.Gly124fs)

Gene: TRPM4 (transient receptor potential cation channel subfamily M member 4; plus strand). Cytogenetic location: 19q13.33.
Variant type: Deletion.
Coding change: c.371del on transcript NM_017636.4 (MANE Select); coding-DNA position 371, one base deleted (G; older notation c.371delG).
Protein change: p.Gly124fs; shifts the reading frame from glycine 124.
Molecular consequence: frameshift variant. On other transcripts: intron variant (4).
Genome position (GRCh38, 1-based): chr19:49,168,020, G deleted; the last of 6 consecutive G bases (chr19:49,168,015-49,168,020); deleting any one gives the same sequence. VCF-style (leftmost placement, unchanged base first): chr19-49168014-TG-T. GRCh37 (hg19) VCF-style: chr19-49671271-TG-T.
Other names: c.371del, p.Gly124fs (NM_001195227.2); c.-1105-240del (NM_001321282.2); c.268-533del (NM_001321281.2); c.-74-240del (NM_001321283.2); c.-237-533del (NM_001321285.2); short protein forms G124fs.
Identifiers: ClinVar variation 3227028 (VCV003227028.1), dbSNP rs1135402751, ClinGen allele CA508099618.